The following is an entry in ClinVar:

NM_006073.4(TRDN):c.306G>T (p.Trp102Cys)

Gene: TRDN (triadin; minus strand). Cytogenetic location: 6q22.31.
Variant type: single nucleotide variant.
Coding change: c.306G>T on transcript NM_006073.4 (MANE Select); coding-DNA position 306, G replaced by T.
Protein change: p.Trp102Cys; replaces tryptophan 102 with cysteine.
Molecular consequence: missense variant.
Genome position (GRCh38, 1-based): chr6:123,548,539, C>A on the plus strand (G>T on the coding strand, the complement: TRDN is on the minus strand). VCF-style: chr6-123548539-C-A. GRCh37 (hg19) VCF-style: chr6-123869684-C-A.
Other names: c.306G>T (NM_006073.2); c.306G>T, p.Trp102Cys (NM_001251987.2, NM_001256020.2, NM_001256021.2 and 2 more transcripts); short protein forms W102C.
Identifiers: ClinVar variation 2016723 (VCV002016723.6), dbSNP rs2534485501, ClinGen allele CA365568831.

ClinVar aggregate classification (germline): Uncertain significance. Review status: criteria provided, multiple submitters, no conflicts (2 of 4 stars). 2 submissions from 2 submitters: Uncertain significance (2). Last evaluated 2023-02-23.

Conditions:
Catecholaminergic polymorphic ventricular tachycardia 1. Also called: RYR2-Related Catecholaminergic Polymorphic Ventricular Tachycardia; VENTRICULAR TACHYCARDIA, CATECHOLAMINERGIC POLYMORPHIC, 1, WITH OR WITHOUT ATRIAL DYSFUNCTION AND/OR DILATED CARDIOMYOPATHY; VENTRICULAR TACHYCARDIA, STRESS-INDUCED POLYMORPHIC 1. Identifiers: Orphanet 3286, MedGen C1631597, MONDO:0011484, OMIM 604772.
Cardiovascular phenotype. Identifiers: MedGen CN230736.

Allele frequency attached by ClinVar (database versions not stated): gnomAD exomes below 0.00001.
gnomAD v4.1: 2 of 1,576,488 alleles (0.00013%); highest among the groups gnomAD compares: Non-Finnish European, 0.00017%; no homozygotes.

Submissions (2):

Ambry Genetics
Classification: Uncertain significance for Cardiovascular phenotype. Last evaluated: 2023-02-23. Review status: criteria provided, single submitter. Criteria: Ambry Variant Classification Scheme 2023. Collection method: clinical testing. Allele origin: germline.
Comment: The p.W102C variant (also known as c.306G>T), located in coding exon 3 of the TRDN gene, results from a G to T substitution at nucleotide position 306. The tryptophan at codon 102 is replaced by cysteine, an amino acid with highly dissimilar properties. This amino acid position is conserved. In addition, this alteration is predicted to be deleterious by in silico analysis. Since supporting evidence is limited at this time, the clinical significance of this alteration remains unclear.

Labcorp Genetics (formerly Invitae), Labcorp
Classification: Uncertain significance for Catecholaminergic polymorphic ventricular tachycardia 1. Last evaluated: 2022-07-13. Review status: criteria provided, single submitter. Criteria: Invitae Variant Classification Sherloc (09022015). Collection method: clinical testing. Allele origin: germline.
Comment: This variant has not been reported in the literature in individuals affected with TRDN-related conditions. This variant is not present in population databases (gnomAD no frequency). Algorithms developed to predict the effect of missense changes on protein structure and function are either unavailable or do not agree on the potential impact of this missense change (SIFT: "Deleterious"; PolyPhen-2: "Not Available"; Align-GVGD: "Class C0"). In summary, the available evidence is currently insufficient to determine the role of this variant in disease. Therefore, it has been classified as a Variant of Uncertain Significance. This sequence change replaces tryptophan, which is neutral and slightly polar, with cysteine, which is neutral and slightly polar, at codon 102 of the TRDN protein (p.Trp102Cys).